The following is an entry in ClinVar:

NM_000321.3(RB1):c.265G>A (p.Gly89Arg)

Gene: RB1 (RB transcriptional corepressor 1; plus strand). Cytogenetic location: 13q14.2.
Variant type: single nucleotide variant.
Coding change: c.265G>A on transcript NM_000321.3 (MANE Select); coding-DNA position 265, G replaced by A.
Protein change: p.Gly89Arg; replaces glycine 89 with arginine.
Molecular consequence: missense variant.
Genome position (GRCh38, 1-based): chr13:48,342,599, G>A. VCF-style: chr13-48342599-G-A. GRCh37 (hg19) VCF-style: chr13-48916735-G-A.
Other names: short protein forms G89R.
Identifiers: ClinVar variation 1003367 (VCV001003367.9), dbSNP rs1952455387, ClinGen allele CA388252312.

ClinVar aggregate classification (germline): Uncertain significance (1 of 4 stars; one submission).

Conditions:
Retinoblastoma (RB1). Also called: RETINOBLASTOMA, SOMATIC. Identifiers: Orphanet 790, MedGen C0035335, MeSH D012175, MONDO:0008380, OMIM 180200, HP:0009919. Disease mechanism: loss of function. Inheritance: Both sporadic and heritable forms are tested..

Submission:

Labcorp Genetics (formerly Invitae), Labcorp
Classification: Uncertain significance for Retinoblastoma. Last evaluated: 2020-01-18. Review status: criteria provided, single submitter. Criteria: Invitae Variant Classification Sherloc (09022015). Collection method: clinical testing. Allele origin: germline.
Comment: In summary, the available evidence is currently insufficient to determine the role of this variant in disease. Therefore, it has been classified as a Variant of Uncertain Significance. Algorithms developed to predict the effect of missense changes on protein structure and function (SIFT, PolyPhen-2, Align-GVGD) all suggest that this variant is likely to be tolerated, but these predictions have not been confirmed by published functional studies and their clinical significance is uncertain. This variant has not been reported in the literature in individuals with RB1-related conditions. This variant is not present in population databases (ExAC no frequency). This sequence change replaces glycine with arginine at codon 89 of the RB1 protein (p.Gly89Arg). The glycine residue is weakly conserved and there is a moderate physicochemical difference between glycine and arginine.